The following is an entry in ClinVar:

ClinVar aggregate classification (germline): Likely benign (1 of 4 stars; one submission).

Allele frequency attached by ClinVar (database versions not stated): TOPMed below 0.00001; ExAC 0.00002; gnomAD exomes 0.00002.
gnomAD v4.1: 12 of 1,614,128 alleles (0.00074%); highest among the groups gnomAD compares: Admixed American, 0.005%; no homozygotes.

Submission:

CeGaT Center for Human Genetics Tuebingen
Classification: Likely benign. Last evaluated: 2024-05-01. Review status: criteria provided, single submitter. Criteria: CeGaT Center For Human Genetics Tuebingen Variant Classification Criteria Version 2. Collection method: clinical testing. Allele origin: germline. Affected: yes. Observed: 1 variant allele.
Comment: MADD: BP4, BP7

NM_001376571.1(MADD):c.3234G>A (p.Gly1078=)

Gene: MADD (MAP kinase activating death domain; plus strand). Cytogenetic location: 11p11.2.
Variant type: single nucleotide variant.
Coding change: c.3234G>A on transcript NM_001376571.1 (MANE Select); coding-DNA position 3234, G replaced by A.
Protein change: p.Gly1078=; no amino-acid change (glycine 1078 retained).
Molecular consequence: synonymous variant. On other transcripts: non-coding transcript variant (7).
Genome position (GRCh38, 1-based): chr11:47,290,689, G>A. VCF-style: chr11-47290689-G-A. GRCh37 (hg19) VCF-style: chr11-47312240-G-A.
Other names: c.3045G>A, p.Gly1015= (NM_130472.3, NM_130474.3, NM_001376615.1 and 21 more transcripts); c.3234G>A, p.Gly1078= (NM_130473.3, NM_130475.3, NM_001376599.1 and 11 more transcripts); c.3174G>A, p.Gly1058= (NM_130476.3, NM_001376610.1, NM_001376612.1 and 12 more transcripts); c.3072G>A, p.Gly1024= (NM_001376611.1, NM_001376613.1, NM_001376614.1 and 1 more transcripts); c.3105G>A, p.Gly1035= (NM_001376617.1, NM_001376624.1, NM_001376625.1 and 14 more transcripts); c.2970G>A, p.Gly990= (NM_001376620.1, NM_001376657.1); c.3030G>A, p.Gly1010= (NM_001376626.1, NM_001376648.1); c.2901G>A, p.Gly967= (NM_001376627.1, NM_001376635.1, NM_001376646.1 and 2 more transcripts); and 9 more.
Identifiers: ClinVar variation 3239212 (VCV003239212.19), dbSNP rs747162090.